The following is an entry in ClinVar:

NM_174936.4(PCSK9):c.706G>A (p.Gly236Ser)

Gene: PCSK9 (proprotein convertase subtilisin/kexin type 9; plus strand). Cytogenetic location: 1p32.3.
Variant type: single nucleotide variant.
Coding change: c.706G>A on transcript NM_174936.4 (MANE Select); coding-DNA position 706, G replaced by A.
Protein change: p.Gly236Ser; replaces glycine 236 with serine.
Molecular consequence: missense variant.
Genome position (GRCh38, 1-based): chr1:55,052,698, G>A. VCF-style: chr1-55052698-G-A. GRCh37 (hg19) VCF-style: chr1-55518371-G-A.
Other names: c.649G>A, p.Gly217Ser (NM_001407243.1); c.706G>A, p.Gly236Ser (NM_001407244.1, NM_001407247.1, NM_001407241.1); c.514G>A, p.Gly172Ser (NM_001407245.1); c.331G>A, p.Gly111Ser (NM_001407246.1); c.829G>A, p.Gly277Ser (NM_001407240.1); c.709G>A, p.Gly237Ser (NM_001407242.1); short protein forms G236S, G217S, G237S, G277S, G111S, G172S.
Identifiers: ClinVar variation 403289 (VCV000403289.17), dbSNP rs149489325, ClinGen allele CA044056.

ClinVar aggregate classification (germline): Uncertain significance. Review status: criteria provided, multiple submitters, no conflicts (2 of 4 stars). 8 submissions from 8 submitters: Uncertain significance (8). Last evaluated 2026-06-22.

Conditions:
Cardiovascular phenotype. Identifiers: MedGen CN230736.
Familial hypercholesterolemia. Also called: Familial hypercholesterolemias; Familial hypercholesterolaemia. Identifiers: MedGen C0020445, MONDO:0005439.
Hypercholesterolemia, familial, 1. Also called: LDL RECEPTOR DISORDER; Hyperlipoproteinemia Type IIa; HYPER-LOW-DENSITY-LIPOPROTEINEMIA; HYPERCHOLESTEROLEMIC XANTHOMATOSIS, FAMILIAL; Fredrickson type IIa hyperlipoproteinemia; Hyperlipoproteinemia type 2. Identifiers: Orphanet 391665, MedGen C0745103, MONDO:0007750, OMIM 143890.
Hypercholesterolemia, autosomal dominant, 3 (FHCL3). Also called: Familial Hypercholesterolemia, Autosomal Dominant, 3; PCSK9-Related Familial Hypercholesterolemia, Autosomal Dominant; Familial hypercholesterolemia 3. Identifiers: MedGen C1863551, MONDO:0011369, OMIM 603776.

Allele frequency attached by ClinVar (database versions not stated): gnomAD 0.00003 and 0.00002; TOPMed 0.00003; 1000 Genomes Project 0.00040; ExAC 0.00003; 1000 Genomes Project 30x 0.00047; ESP Exome Variant Server 0.00015; gnomAD exomes 0.00004 and 0.00006.
gnomAD v4.1: 62 of 1,613,126 alleles (0.0038%); highest among the groups gnomAD compares: South Asian, 0.022%; no homozygotes.

Submissions (8):

Ambry Genetics
Classification: Uncertain significance for Cardiovascular phenotype. Last evaluated: 2026-06-22. Review status: criteria provided, single submitter. Criteria: Ambry Variant Classification Scheme 2023. Collection method: clinical testing. Allele origin: germline.
Comment: The p.G236S variant (also known as c.706G>A), located in coding exon 5 of the PCSK9 gene, results from a G to A substitution at nucleotide position 706. The glycine at codon 236 is replaced by serine, an amino acid with similar properties. This variant was reported in individual(s) with features consistent with hypocholesterolemia and has been reported in healthy individuals (Cameron J et al. J Intern Med, 2008 Apr;263:420-31; Lange LA et al. Am J Hum Genet, 2014 Feb;94:233-45; Lacaze P et al. Open Heart, 2021 Jul;8:). Functional studies suggest a failure of the protein to leave to the endoplasmic reticulum ; however, additional evidence is needed to confirm these findings (Cameron J et al. J Intern Med, 2008 Apr;263:420-31). This amino acid position is highly conserved in available vertebrate species. In addition, this alteration is predicted to be deleterious by in silico analysis. Based on the available evidence, the clinical significance of this variant remains unclear.

Color Diagnostics, LLC DBA Color Health
Classification: Uncertain significance for Familial hypercholesterolemia. Last evaluated: 2025-12-11. Review status: criteria provided, single submitter. Criteria: ACMG Guidelines, 2015. Collection method: clinical testing. Allele origin: germline.
Comment: This missense variant replaces glycine with serine at codon 236 of the PCSK9 protein. Computational prediction tools indicate that this variant has a deleterious impact on protein structure and function. A functional study has shown this variant to cause a loss of PCSK9 function due to the failure of the mutant protein to exit the endoplasmic reticulum (PMID: 18266662). As a result, the cells expressing the mutant protein showed increased LDL uptake (PMID: 18266662). Consistent with this functional study, this variant has been reported in two individuals with low circulating levels of LDL-C (PMID: 18266662, 34341098). To our knowledge, this variant has not been reported in individuals affected with PCSK9-related disorders in the literature. This variant has been identified in 62/1613126 chromosomes in the general population by the Genome Aggregation Database (gnomAD). The available evidence is insufficient to determine the role of this variant in disease conclusively. Therefore, this variant is classified as a Variant of Uncertain Significance.

All of Us Research Program, National Institutes of Health
Classification: Uncertain significance for Hypercholesterolemia, autosomal dominant, 3. Last evaluated: 2024-06-11. Review status: criteria provided, single submitter. Criteria: ACMG Guidelines, 2015. Collection method: clinical testing. Allele origin: germline. Inheritance: Autosomal dominant inheritance. Observed: 8 variant alleles, 8 heterozygotes.
Comment: This missense variant replaces glycine with serine at codon 236 of the PCSK9 protein. Computational prediction suggests that this variant may have deleterious impact on protein structure and function (internally defined REVEL score threshold >= 0.7, PMID: 27666373). A functional study has shown this variant to cause a loss of PCSK9 function due to the failure of the mutant protein to exit the endoplasmic reticulum (PMID: 18266662). As a result, the cells expressing the mutant protein showed increased LDL uptake (PMID: 18266662). Consistent with this functional study, this variant has been reported in hypocholesterolemic individuals (PMID: 18266662, 34341098). To our knowledge, this variant has not been reported in individuals affected with PCSK9-related disorders in the literature. This variant has been identified in 16/280576 chromosomes in the general population by the Genome Aggregation Database (gnomAD). Although available evidence indicate this variant is unlikely to be disease-causing, additional studies are necessary to determine the role of this variant in disease conclusively. Therefore, this variant is classified as a Variant of Uncertain Significance.

This study involves interpretation of variants in research participants for the purpose of population health screening. Participant phenotype was not available at the time of variant classification. Additional details can be found in publication PMID: 35346344, PMCID: PMC8962531

Blueprint Genetics
Classification: Uncertain significance. Last evaluated: 2024-04-09. Review status: criteria provided, single submitter. Criteria: ACMG Guidelines, 2015. Collection method: clinical testing. Allele origin: germline.

Fulgent Genetics
Classification: Uncertain significance for Hypercholesterolemia, autosomal dominant, 3. Last evaluated: 2021-10-12. Review status: criteria provided, single submitter. Criteria: ACMG Guidelines, 2015. Collection method: clinical testing. Allele origin: unknown.

Laboratory for Molecular Medicine, Mass General Brigham Personalized Medicine
Classification: Uncertain significance. Last evaluated: 2016-12-02. Review status: criteria provided, single submitter. Criteria: LMM Criteria. Collection method: clinical testing. Allele origin: germline.
Comment: Variant identified in a genome or exome case(s) and assessed due to predicted null impact of the variant or pathogenic assertions in the literature or databases. Disclaimer: This variant has not undergone full assessment. The following are preliminary notes: This variant has been in 1 individual with hypocholesterolemia - classified as DM in HGMD. An in vitro cleavage assay showed that the variant had a loss of function effect. Gain of function mutations in this gene lead to hypercholesterolemia, while loss of function lead to hypocholesterolemia. This variant is not classified in ClinVar. The variant was seen in 0.02% of South Asian chrs in gnomAD (6 chrs).

Cardiovascular Research Group, Instituto Nacional de Saude Doutor Ricardo Jorge
Classification: Uncertain significance for Familial hypercholesterolemia. Last evaluated: 2016-03-01. Review status: criteria provided, single submitter. Criteria: ACMG Guidelines, 2015. Collection method: curation, literature only. Allele origin: germline, not applicable.

Breakthrough Genomics
Classification: Uncertain significance. Review status: criteria provided, single submitter. Criteria: ACMG Guidelines, 2015. Collection method: not provided. Allele origin: germline. Inheritance: Autosomal dominant inheritance. Affected: yes.

Literature cited by the submitters: PubMed 18266662 (cited by 4 submitters); PubMed 24507775 (cited by Ambry Genetics); PubMed 34341098 (cited by 3 submitters).